The following is an entry in ClinVar:

ClinVar aggregate classification (germline): Uncertain significance (1 of 4 stars; one submission).

Submission:

GeneDx
Classification: Uncertain significance. Last evaluated: 2024-09-12. Review status: criteria provided, single submitter. Criteria: GeneDx Variant Classification Process June 2021. Collection method: clinical testing. Allele origin: germline. Affected: yes.
Comment: Not observed at significant frequency in large population cohorts (gnomAD); In silico analysis indicates that this missense variant does not alter protein structure/function; Has not been previously published as pathogenic or benign to our knowledge

NM_025233.7(COASY):c.1477G>A (p.Glu493Lys)

Gene: COASY (Coenzyme A synthase; plus strand). Cytogenetic location: 17q21.2.
Variant type: single nucleotide variant.
Coding change: c.1477G>A on transcript NM_025233.7 (MANE Select); coding-DNA position 1477, G replaced by A.
Protein change: p.Glu493Lys; replaces glutamic acid 493 with lysine.
Molecular consequence: missense variant.
Genome position (GRCh38, 1-based): chr17:42,565,560, G>A. VCF-style: chr17-42565560-G-A. GRCh37 (hg19) VCF-style: chr17-40717578-G-A.
Other names: c.1477G>A, p.Glu493Lys (NM_001042529.3); c.1564G>A, p.Glu522Lys (NM_001042532.4); short protein forms E493K, E522K.
Identifiers: ClinVar variation 3769951 (VCV003769951.1).